The following is an entry in ClinVar:

NM_138348.6(OTULIN):c.232C>T (p.Pro78Ser)

Gene: OTULIN (OTU deubiquitinase with linear linkage specificity; plus strand). Cytogenetic location: 5p15.2.
Variant type: single nucleotide variant.
Coding change: c.232C>T on transcript NM_138348.6 (MANE Select); coding-DNA position 232, C replaced by T.
Protein change: p.Pro78Ser; replaces proline 78 with serine.
Molecular consequence: missense variant.
Genome position (GRCh38, 1-based): chr5:14,678,683, C>T. VCF-style: chr5-14678683-C-T. GRCh37 (hg19) VCF-style: chr5-14678792-C-T.
Other names: c.232C>T (NM_138348.4); short protein forms P78S.
Identifiers: ClinVar variation 3613858 (VCV003613858.3).

ClinVar aggregate classification (germline): Uncertain significance. Review status: criteria provided, multiple submitters, no conflicts (2 of 4 stars). 2 submissions from 2 submitters: Uncertain significance (2). Last evaluated 2025-07-21.

Submissions (2):

Ambry Genetics
Classification: Uncertain significance. Last evaluated: 2025-07-21. Review status: criteria provided, single submitter. Criteria: Ambry Variant Classification Scheme 2023. Collection method: clinical testing. Allele origin: germline.

Labcorp Genetics (formerly Invitae), Labcorp
Classification: Uncertain significance. Last evaluated: 2024-06-02. Review status: criteria provided, single submitter. Criteria: Invitae Variant Classification Sherloc (09022015). Collection method: clinical testing. Allele origin: germline.
Comment: This sequence change replaces proline, which is neutral and non-polar, with serine, which is neutral and polar, at codon 78 of the OTULIN protein (p.Pro78Ser). This variant is not present in population databases (gnomAD no frequency). This variant has not been reported in the literature in individuals affected with OTULIN-related conditions. An algorithm developed to predict the effect of missense changes on protein structure and function (PolyPhen-2) suggests that this variant is likely to be tolerated. In summary, the available evidence is currently insufficient to determine the role of this variant in disease. Therefore, it has been classified as a Variant of Uncertain Significance.